The following is an entry in ClinVar:

NM_001110556.2(FLNA):c.4659C>T (p.Pro1553=)

Gene: FLNA (filamin A; minus strand). Cytogenetic location: Xq28.
Variant type: single nucleotide variant.
Coding change: c.4659C>T on transcript NM_001110556.2 (MANE Select); coding-DNA position 4659, C replaced by T.
Protein change: p.Pro1553=; no amino-acid change (proline 1553 retained).
Molecular consequence: synonymous variant.
Genome position (GRCh38, 1-based): chrX:154,358,295, G>A on the plus strand (C>T on the coding strand, the complement: FLNA is on the minus strand). VCF-style: chrX-154358295-G-A. GRCh37 (hg19) VCF-style: chrX-153586663-G-A.
Other names: c.4659C>T, p.Pro1553= (NM_001456.4).
Identifiers: ClinVar variation 239020 (VCV000239020.29), dbSNP rs375163471, ClinGen allele CA10560490.
Genomic context (GRCh38, chrX:154,358,295, plus strand): 5'-CTTTGCATCGATGGTGAACTCCACGGGCAGGCTGGCAGGCACGCCAGTGGTGTTGAGCCC[G>A]GGGCCACTGGCCTTCACCTTGCTGGCATCATGAGTAGGCAGCACCTTGACCTTGAAGGGG-3'
Protein context (NP_001104026.1, residues 1543-1563): HDASKVKASG[Pro1553=]GLNTTGVPAS

ClinVar aggregate classification (germline): Benign/Likely benign. Review status: criteria provided, multiple submitters, no conflicts (2 of 4 stars). 5 submissions from 5 submitters: Benign (1); Likely benign (4). Last evaluated 2025-09-01.

Conditions:
Oto-palato-digital syndrome, type II (OPD2). Also called: Otopalatodigital Syndrome Type 2 (FLNA-OPD2); FACIOPALATOOSSEOUS SYNDROME; OPD II SYNDROME; Otopalatodigital Syndrome, Type II. Identifiers: Orphanet 669, Orphanet 90652, MedGen C1844696, MONDO:0010571, OMIM 304120.
Heterotopia, periventricular, X-linked dominant (PVNH1). Also called: PERIVENTRICULAR NODULAR HETEROTOPIA 1; X-linked periventricular heterotopia; PERIVENTRICULAR NODULAR HETEROTOPIA 4; HETEROTOPIA, PERIVENTRICULAR, 1. Identifiers: Orphanet 2149, Orphanet 82004, MedGen C1848213, MONDO:0010233, OMIM 300049.
Frontometaphyseal dysplasia (FMD1). Identifiers: Orphanet 1826, MedGen C0265293, MONDO:0015942.
Melnick-Needles syndrome (MNS). Also called: Melnick-Needles Syndrome (FLNA-MNS); MELNICK-NEEDLES OSTEODYSPLASTY; OSTEODYSPLASTY OF MELNICK AND NEEDLES. Identifiers: Orphanet 2484, MedGen C0025237, MONDO:0010650, OMIM 309350.
Familial thoracic aortic aneurysm and aortic dissection (TAAD). Also called: Thoracic aortic aneurysms and dissections. Identifiers: Orphanet 91387, MedGen C4707243, MONDO:0019625.

Allele frequency attached by ClinVar (database versions not stated): TOPMed 0.00005; ExAC 0.00008; gnomAD 0.00014; ESP Exome Variant Server 0.00019.
gnomAD v4.1: 113 of 1,209,466 alleles (0.0093%); highest among the groups gnomAD compares: South Asian, 0.018%; no homozygotes.

Submissions (5):

Labcorp Genetics (formerly Invitae), Labcorp
Classification: Likely benign for Oto-palato-digital syndrome, type II; Heterotopia, periventricular, X-linked dominant; Frontometaphyseal dysplasia; Melnick-Needles syndrome. Last evaluated: 2025-09-01. Review status: criteria provided, single submitter. Criteria: Invitae Variant Classification Sherloc (09022015). Collection method: clinical testing. Allele origin: germline.

CeGaT Center for Human Genetics Tuebingen
Classification: Likely benign. Last evaluated: 2024-11-01. Review status: criteria provided, single submitter. Criteria: CeGaT Center For Human Genetics Tuebingen Variant Classification Criteria Version 2. Collection method: clinical testing. Allele origin: germline. Affected: yes. Observed: 1 variant allele.
Comment: FLNA: BP4, BP7, BS2

Women's Health and Genetics/Laboratory Corporation of America, LabCorp
Classification: Benign. Last evaluated: 2023-11-13. Review status: criteria provided, single submitter. Criteria: LabCorp Variant Classification Summary - May 2015. Collection method: clinical testing. Allele origin: germline.

Blueprint Genetics
Classification: Likely benign. Last evaluated: 2023-11-10. Review status: criteria provided, single submitter. Criteria: ACMG Guidelines, 2015. Collection method: clinical testing. Allele origin: germline.

Ambry Genetics
Classification: Likely benign for Familial thoracic aortic aneurysm and aortic dissection. Last evaluated: 2017-05-11. Review status: criteria provided, single submitter. Criteria: Ambry Variant Classification Scheme 2023. Collection method: clinical testing. Allele origin: germline.